The following is an entry in ClinVar:

NM_017837.4(PIGV):c.980A>G (p.Asn327Ser)

Gene: PIGV (phosphatidylinositol glycan anchor biosynthesis class V; plus strand). Cytogenetic location: 1p36.11.
Variant type: single nucleotide variant.
Coding change: c.980A>G on transcript NM_017837.4 (MANE Select); coding-DNA position 980, A replaced by G.
Protein change: p.Asn327Ser; replaces asparagine 327 with serine.
Molecular consequence: missense variant. On other transcripts: non-coding transcript variant (1), intron variant (1).
Genome position (GRCh38, 1-based): chr1:26,795,014, A>G. VCF-style: chr1-26795014-A-G. GRCh37 (hg19) VCF-style: chr1-27121505-A-G.
Other names: c.980A>G, p.Asn327Ser (NM_001202554.2, NM_001374478.1, NM_001374480.1 and 2 more transcripts); c.599A>G, p.Asn200Ser (NM_001374483.1); c.353A>G, p.Asn118Ser (NM_001374484.1, NM_001374485.1); c.79-2549A>G (NM_001374486.1); short protein forms N118S, N327S, N200S.
Identifiers: ClinVar variation 875631 (VCV000875631.14), dbSNP rs142884955, ClinGen allele CA708150.
Genomic context (GRCh38, chr1:26,795,014, plus strand): 5'-TCCAGGATGTCTACTGGAATGTTGGCTTTTTGAAATACTATGAGCTCAAGCAGGTGCCCA[A>G]TTTTCTACTGGCTGCACCAGTGGCTATACTGGTTGCCTGGGCAACTTGGACATACGTGAC-3'
Protein context (NP_060307.2, residues 317-337): LKYYELKQVP[Asn327Ser]FLLAAPVAIL

ClinVar aggregate classification (germline): Uncertain significance. Review status: criteria provided, multiple submitters, no conflicts (2 of 4 stars). 5 submissions from 5 submitters: Uncertain significance (5). Last evaluated 2025-06-28.

Conditions:
Inborn genetic diseases. Identifiers: MedGen C0950123, MeSH D030342.
Hyperphosphatasia with impaired intellectual development syndrome 1. Also called: Hyperphosphatasia with intellectual disability syndrome 1; MABRY SYNDROME; GLYCOSYLPHOSPHATIDYLINOSITOL BIOSYNTHESIS DEFECT 2. Identifiers: Orphanet 247262, MedGen C4551502, MONDO:0009398, OMIM 239300.

Allele frequency attached by ClinVar (database versions not stated): gnomAD exomes 0.00012 and 0.00006; gnomAD 0.00007 and 0.00006; 1000 Genomes Project 30x 0.00016; 1000 Genomes Project 0.00020; ExAC 0.00005; TOPMed 0.00009.
gnomAD v4.1: 185 of 1,614,122 alleles (0.011%); highest among the groups gnomAD compares: Non-Finnish European, 0.014%; no homozygotes.

Submissions (5):

GeneDx
Classification: Uncertain significance. Last evaluated: 2025-06-28. Review status: criteria provided, single submitter. Criteria: GeneDx Variant Classification Process June 2021. Collection method: clinical testing. Allele origin: germline. Affected: yes.
Comment: Not observed at significant frequency in large population cohorts (gnomAD); In silico analysis supports that this missense variant has a deleterious effect on protein structure/function; Has not been previously published as pathogenic or benign to our knowledge

Ambry Genetics
Classification: Uncertain significance for Inborn genetic diseases. Last evaluated: 2024-11-25. Review status: criteria provided, single submitter. Criteria: Ambry Variant Classification Scheme 2023. Collection method: clinical testing. Allele origin: germline.

Blueprint Genetics
Classification: Uncertain significance. Last evaluated: 2024-07-24. Review status: criteria provided, single submitter. Criteria: ACMG Guidelines, 2015. Collection method: clinical testing. Allele origin: germline.

Labcorp Genetics (formerly Invitae), Labcorp
Classification: Uncertain significance. Last evaluated: 2022-10-13. Review status: criteria provided, single submitter. Criteria: Invitae Variant Classification Sherloc (09022015). Collection method: clinical testing. Allele origin: germline.
Comment: This sequence change replaces asparagine, which is neutral and polar, with serine, which is neutral and polar, at codon 327 of the PIGV protein (p.Asn327Ser). The frequency data for this variant in the population databases is considered unreliable, as metrics indicate poor data quality at this position in the gnomAD database. This variant has not been reported in the literature in individuals affected with PIGV-related conditions. ClinVar contains an entry for this variant (Variation ID: 875631). Advanced modeling of protein sequence and biophysical properties (such as structural, functional, and spatial information, amino acid conservation, physicochemical variation, residue mobility, and thermodynamic stability) performed at Invitae indicates that this missense variant is expected to disrupt PIGV protein function. In summary, the available evidence is currently insufficient to determine the role of this variant in disease. Therefore, it has been classified as a Variant of Uncertain Significance.

Illumina Laboratory Services, Illumina
Classification: Uncertain significance for Hyperphosphatasia with impaired intellectual development syndrome 1. Last evaluated: 2018-01-13. Review status: criteria provided, single submitter. Criteria: ICSL Variant Classification Criteria 13 December 2019. Collection method: clinical testing. Allele origin: germline.